The following is an entry in ClinVar:

ClinVar aggregate classification (germline): Benign/Likely benign. Review status: criteria provided, multiple submitters, no conflicts (2 of 4 stars). 3 submissions from 3 submitters: Benign (1); Likely benign (2). Last evaluated 2026-06-24.

Conditions:
Hereditary cancer-predisposing syndrome. Also called: Tumor predisposition; Hereditary neoplastic syndrome; Neoplastic Syndromes, Hereditary; Hereditary Cancer Syndrome. Identifiers: Orphanet 140162, MedGen C0027672, MeSH D009386, MONDO:0015356.
Multiple endocrine neoplasia type 2A. Also called: MULTIPLE ENDOCRINE NEOPLASIA, TYPE IIA; PTC SYNDROME; SIPPLE SYNDROME; MEN 2A; MEN-2A syndrome; Pheochromocytoma and amyloid producing medullary thyroid carcinoma. Identifiers: Orphanet 247698, Orphanet 653, MedGen C0025268, MeSH D018813, MONDO:0008234, OMIM 171400.
Multiple endocrine neoplasia, type 2 (MEN2). Identifiers: Orphanet 653, MedGen C4048306, MONDO:0019003. Disease mechanism: gain of function.

Submissions (3):

Ambry Genetics
Classification: Likely benign for Hereditary cancer-predisposing syndrome. Last evaluated: 2026-06-24. Review status: criteria provided, single submitter. Criteria: Ambry Variant Classification Scheme 2023. Collection method: clinical testing. Allele origin: germline.

Myriad Genetics, Inc.
Classification: Benign for Multiple endocrine neoplasia type 2A. Last evaluated: 2025-02-27. Review status: criteria provided, single submitter. Criteria: Myriad Autosomal Dominant, Autosomal Recessive and X-Linked Classification Criteria (2023). Collection method: clinical testing. Allele origin: unknown.
Comment: This variant is considered benign. This variant is a silent/synonymous amino acid change and it is not expected to impact splicing.

Labcorp Genetics (formerly Invitae), Labcorp
Classification: Likely benign for Multiple endocrine neoplasia, type 2. Last evaluated: 2021-09-08. Review status: criteria provided, single submitter. Criteria: Invitae Variant Classification Sherloc (09022015). Collection method: clinical testing. Allele origin: germline.

NM_020975.6(RET):c.2688C>A (p.Ser896=)

Gene: RET (ret proto-oncogene; plus strand). Cytogenetic location: 10q11.21.
Variant type: single nucleotide variant.
Coding change: c.2688C>A on transcript NM_020975.6 (MANE Select); coding-DNA position 2688, C replaced by A.
Protein change: p.Ser896=; no amino-acid change (serine 896 retained).
Molecular consequence: synonymous variant.
Genome position (GRCh38, 1-based): chr10:43,120,161, C>A. VCF-style: chr10-43120161-C-A. GRCh37 (hg19) VCF-style: chr10-43615609-C-A.
Other names: c.2688C>A, p.Ser896= (NM_000323.2, NM_001406743.1, NM_001406744.1 and 4 more transcripts); c.1926C>A, p.Ser642= (NM_001355216.2); c.2559C>A, p.Ser853= (NM_001406761.1, NM_001406762.1, NM_001406764.1); c.2553C>A, p.Ser851= (NM_001406763.1, NM_001406765.1); c.2400C>A, p.Ser800= (NM_001406766.1, NM_001406767.1, NM_001406770.1); c.2424C>A, p.Ser808= (NM_001406768.1); c.2292C>A, p.Ser764= (NM_001406769.1, NM_001406772.1); c.2250C>A, p.Ser750= (NM_001406771.1, NM_001406773.1); and 10 more.
Identifiers: ClinVar variation 1674103 (VCV001674103.11), dbSNP rs2132962713, ClinGen allele CA469028904.